The following is an entry in ClinVar:

ClinVar aggregate classification (germline): Likely pathogenic (1 of 4 stars; one submission).

Submission:

Labcorp Genetics (formerly Invitae), Labcorp
Classification: Likely pathogenic. Last evaluated: 2022-05-12. Review status: criteria provided, single submitter. Criteria: Invitae Variant Classification Sherloc (09022015). Collection method: clinical testing. Allele origin: germline.
Comment: This variant results in the deletion of exons 44-46 and part of exon 47 (c.6004+611_6543del) of the POLE gene. It is expected to disrupt RNA splicing. Variants that disrupt the donor or acceptor splice site typically lead to a loss of protein function (PMID: 16199547), and loss-of-function variants in POLE are known to be pathogenic (PMID: 23230001, 25948378, 30503519). This variant has not been reported in the literature in individuals affected with POLE-related conditions. In summary, the currently available evidence indicates that the variant is pathogenic, but additional data are needed to prove that conclusively. Therefore, this variant has been classified as Likely Pathogenic.

Literature cited by the submitters: PubMed 16199547; PubMed 23230001; PubMed 25948378; PubMed 30503519.

NC_000012.11:g.(?_133202345)_(133210161_?)del

Gene: POLE (DNA polymerase epsilon, catalytic subunit; minus strand). Cytogenetic location: 12q24.33.
Variant type: Deletion.
Identifiers: ClinVar variation 1447327 (VCV001447327.5).